The following is an entry in ClinVar:

ClinVar aggregate classification (germline): Uncertain significance (1 of 4 stars; one submission).

gnomAD v4.1: 4 of 1,614,000 alleles (0.00025%); highest among the groups gnomAD compares: Admixed American, 0.0017%; no homozygotes.

Submission:

GeneDx
Classification: Uncertain significance. Last evaluated: 2023-09-29. Review status: criteria provided, single submitter. Criteria: GeneDx Variant Classification Process June 2021. Collection method: clinical testing. Allele origin: germline. Affected: yes.
Comment: Not observed at significant frequency in large population cohorts (gnomAD); In silico analysis supports that this missense variant has a deleterious effect on protein structure/function; Has not been previously published as pathogenic or benign to our knowledge

NM_015087.5(SPART):c.511C>A (p.Pro171Thr)

Gene: SPART (spartin; minus strand). Cytogenetic location: 13q13.3.
Variant type: single nucleotide variant.
Coding change: c.511C>A on transcript NM_015087.5 (MANE Select); coding-DNA position 511, C replaced by A.
Protein change: p.Pro171Thr; replaces proline 171 with threonine.
Molecular consequence: missense variant.
Genome position (GRCh38, 1-based): chr13:36,335,320, G>T on the plus strand (C>A on the coding strand, the complement: SPART is on the minus strand). VCF-style: chr13-36335320-G-T. GRCh37 (hg19) VCF-style: chr13-36909457-G-T.
Other names: c.511C>A, p.Pro171Thr (NM_001142294.2, NM_001142295.2, NM_001142296.2); short protein forms P171T.
Identifiers: ClinVar variation 3361914 (VCV003361914.1).